The following is an entry in ClinVar:

NM_001080.3(ALDH5A1):c.761A>G (p.Tyr254Cys)

Gene: ALDH5A1 (aldehyde dehydrogenase 5 family member A1; plus strand). Cytogenetic location: 6p22.3.
Variant type: single nucleotide variant.
Coding change: c.761A>G on transcript NM_001080.3 (MANE Select); coding-DNA position 761, A replaced by G.
Protein change: p.Tyr254Cys; replaces tyrosine 254 with cysteine.
Molecular consequence: missense variant. On other transcripts: intron variant (1).
Genome position (GRCh38, 1-based): chr6:24,515,201, A>G. VCF-style: chr6-24515201-A-G. GRCh37 (hg19) VCF-style: chr6-24515429-A-G.
Other names: c.800A>G, p.Tyr267Cys (NM_170740.1); c.727-5200A>G (NM_001368954.1); short protein forms Y254C, Y267C.
Identifiers: ClinVar variation 1480821 (VCV001480821.6), dbSNP rs749228768, ClinGen allele CA3656744.
Genomic context (GRCh38, chr6:24,515,201, plus strand): 5'-CACATGTTTGCTGTTTCTCTTTATAGCTTGCAAGCCAGGCTGGGATTCCTTCAGGTGTAT[A>G]CAATGTTATTCCCTGTTCTCGAAAGAATGCCAAGGAAGTAGGGGAGGCAATTTGTACTGA-3'
Protein context (NP_001071.1, residues 244-264): ASQAGIPSGV[Tyr254Cys]NVIPCSRKNA

ClinVar aggregate classification (germline): Uncertain significance. Review status: criteria provided, multiple submitters, no conflicts (2 of 4 stars). 2 submissions from 2 submitters: Uncertain significance (2). Last evaluated 2024-10-09.

Conditions:
Succinate-semialdehyde dehydrogenase deficiency (SSADHD). Also called: Succinic Semialdehyde Dehydrogenase Deficiency; 4-HYDROXYBUTYRIC ACIDURIA; GABA METABOLIC DEFECT; SSADH DEFICIENCY. Identifiers: Orphanet 22, MedGen C0268631, MONDO:0010083, OMIM 271980.

Allele frequency attached by ClinVar (database versions not stated): gnomAD exomes below 0.00001 and 0.00001; ExAC 0.00001.
gnomAD v4.1: 4 of 1,608,016 alleles (0.00025%); highest among the groups gnomAD compares: South Asian, 0.0044%; no homozygotes.

Submissions (2):

Victorian Clinical Genetics Services, Murdoch Childrens Research Institute
Classification: Uncertain significance for Succinate-semialdehyde dehydrogenase deficiency. Last evaluated: 2024-10-09. Review status: criteria provided, single submitter. Criteria: ACMG Guidelines, 2015. Collection method: clinical testing. Allele origin: germline. Affected: yes.
Comment: This variant is classified as VUS-3B. Evidence in support of pathogenic classification: Variant is present in gnomAD <0.01 for a recessive condition (v4: 4 heterozygote(s), 0 homozygote(s)); Missense variant consistently predicted to be damaging by in silico tool or highly conserved with a major amino acid change. Additional information: Variant is predicted to result in a missense amino acid change from tyrosine to cysteine; This variant is homozygous; This gene is associated with autosomal recessive disease; An alternative amino acid change at the same position has been observed in gnomAD (v4: 2 heterozygote(s), 0 homozygote(s)); Previous evidence of pathogenicity for this variant is inconclusive. It has been classified as a variant of uncertain significance by one clinical laboratory (ClinVar); No published segregation evidence has been identified for this variant; No published functional evidence has been identified for this variant; Another missense variant comparable to the one identified in this case has inconclusive previous evidence for pathogenicity. p.(Tyr254His) has been classified as a variant of uncertain significance by one clinical laboratory (ClinVar); Variant is located in the annotated aldehyde dehydrogenase domain (DECIPHER); Loss of function is a known mechanism of disease in this gene and is associated with succinic semialdehyde dehydrogenase deficiency (MIM#271980); Variants in this gene are known to have variable expressivity (OMIM).

Labcorp Genetics (formerly Invitae), Labcorp
Classification: Uncertain significance for Succinate-semialdehyde dehydrogenase deficiency. Last evaluated: 2021-08-05. Review status: criteria provided, single submitter. Criteria: Invitae Variant Classification Sherloc (09022015). Collection method: clinical testing. Allele origin: germline.
Comment: This sequence change replaces tyrosine with cysteine at codon 254 of the ALDH5A1 protein (p.Tyr254Cys). The tyrosine residue is moderately conserved and there is a large physicochemical difference between tyrosine and cysteine. The frequency data for this variant in the population databases is considered unreliable, as metrics indicate poor data quality at this position in the ExAC database. This variant has not been reported in the literature in individuals affected with ALDH5A1-related conditions. Advanced modeling of protein sequence and biophysical properties (such as structural, functional, and spatial information, amino acid conservation, physicochemical variation, residue mobility, and thermodynamic stability) performed at Invitae indicates that this missense variant is expected to disrupt ALDH5A1 protein function. In summary, the available evidence is currently insufficient to determine the role of this variant in disease. Therefore, it has been classified as a Variant of Uncertain Significance.